The following is an entry in ClinVar:

NM_007294.4(BRCA1):c.135-9A>T

Gene: BRCA1 (BRCA1 DNA repair associated; minus strand). Cytogenetic location: 17q21.31.
Variant type: single nucleotide variant.
Coding change: c.135-9A>T on transcript NM_007294.4 (MANE Select); 9 bases into the intron before coding-DNA position 135, A replaced by T.
Molecular consequence: intron variant.
Genome position (GRCh38, 1-based): chr17:43,106,542, T>A on the plus strand (A>T on the coding strand, the complement: BRCA1 is on the minus strand). VCF-style: chr17-43106542-T-A. GRCh37 (hg19) VCF-style: chr17-41258559-T-A.
Other names: c.-7-9A>T (NM_001408458.1, NM_001407931.1, NM_001407747.1 and 99 more transcripts); c.-218-11682A>T (NM_001407967.1, NM_001407966.1); c.-169-1586A>T (NM_001407959.1, NM_001407962.1, NM_001408512.1 and 4 more transcripts); c.-54-9A>T (NM_001407885.1, NM_001407886.1, NM_001407898.1 and 58 more transcripts); c.135-9A>T (NM_001407686.1, NM_001408397.1, NM_001407632.1 and 167 more transcripts); c.81-1586A>T (NM_001408451.1); c.135-1586A>T (NM_001408475.1, NM_001407875.1, NM_001407659.1 and 21 more transcripts).
Identifiers: ClinVar variation 867866 (VCV000867866.3), dbSNP rs2054798558, ClinGen allele CA916080925.

Conditions:
Breast-ovarian cancer, familial, susceptibility to, 1 (BROVCA1). Also called: BRCA1 Hereditary Breast and Ovarian Cancer; OVARIAN CANCER, SUSCEPTIBILITY TO. Identifiers: Orphanet 145, MedGen C2676676, MONDO:0011450, OMIM 604370. Disease mechanism: loss of function.

Submission:

Brotman Baty Institute, University of Washington
No classification provided (evidence only). Condition: Breast-ovarian cancer, familial 1. Review status: no classification provided. Collection method: in vitro. Allele origin: not applicable. Functional consequence: functionally_normal.
ClinVar note: "not provided" was previously submitted as the classification for the variant. However, the classification appeared to be based only on an observation of functional data so it was converted to no classification on 2025-07-30.